The following is an entry in ClinVar:

ClinVar aggregate classification (germline): Likely pathogenic. Review status: criteria provided, single submitter (1 of 4 stars). 2 submissions from 2 submitters: Likely pathogenic (1). 1 of the submissions does not count toward it. Last evaluated 2021-04-06.

Conditions:
Juvenile retinoschisis (RS1). Also called: X-linked retinoschisis; X-Linked Juvenile Retinoschisis. Identifiers: Orphanet 792, MedGen C3714753, MONDO:0010725, OMIM 312700.

Allele frequency attached by ClinVar (database versions not stated): gnomAD exomes 0.00001 and below 0.00001.
gnomAD v4.1: 3 of 1,211,329 alleles (0.00025%); highest among the groups gnomAD compares: Admixed American, 0.0065%; no homozygotes.

Submissions (2):

Labcorp Genetics (formerly Invitae), Labcorp
Classification: Likely pathogenic. Last evaluated: 2021-04-06. Review status: criteria provided, single submitter. Criteria: Invitae Variant Classification Sherloc (09022015). Collection method: clinical testing. Allele origin: germline.
Comment: This sequence change replaces isoleucine with valine at codon 194 of the RS1 protein (p.Ile194Val). The isoleucine residue is highly conserved and there is a small physicochemical difference between isoleucine and valine. This variant is not present in population databases (ExAC no frequency). In summary, the currently available evidence indicates that the variant is pathogenic, but additional data are needed to prove that conclusively. Therefore, this variant has been classified as Likely Pathogenic. This variant disrupts the p.Ile194 amino acid residue in RS1. Other variant(s) that disrupt this residue have been observed in individuals with RS1-related conditions (PMID: 19324861, 29739629, 32300273), which suggests that this may be a clinically significant amino acid residue. Advanced modeling of protein sequence and biophysical properties (such as structural, functional, and spatial information, amino acid conservation, physicochemical variation, residue mobility, and thermodynamic stability) performed at Invitae indicates that this missense variant is expected to disrupt RS1 protein function. This variant has not been reported in the literature in individuals with RS1-related conditions.

Natera, Inc.
Classification: Uncertain significance for X-linked retinoschisis. Last evaluated: 2025-01-13. Review status: no assertion criteria provided. Collection method: clinical testing. Allele origin: germline. Not counted in ClinVar's aggregate classification.

Literature cited by the submitters: PubMed 19324861 (cited by Labcorp Genetics (formerly Invitae), Labcorp); PubMed 29739629 (cited by Labcorp Genetics (formerly Invitae), Labcorp); PubMed 32300273 (cited by Labcorp Genetics (formerly Invitae), Labcorp).

NM_000330.4(RS1):c.580A>G (p.Ile194Val)

Genes: CDKL5 (cyclin dependent kinase like 5; plus strand), RS1 (retinoschisin 1; minus strand). Cytogenetic location: Xp22.13.
Variant type: single nucleotide variant.
Coding change: c.580A>G on transcript NM_000330.4 (MANE Select); coding-DNA position 580, A replaced by G.
Protein change: p.Ile194Val; replaces isoleucine 194 with valine.
Molecular consequence: missense variant. On other transcripts: intron variant (2).
Genome position (GRCh38, 1-based): chrX:18,642,099, T>C on the plus strand (A>G on the coding strand, the complement: RS1 is on the minus strand). VCF-style: chrX-18642099-T-C. GRCh37 (hg19) VCF-style: chrX-18660219-T-C.
Other names: c.2714-3908T>C (NM_003159.3, NM_001037343.2); short protein forms I194V.
Identifiers: ClinVar variation 1525953 (VCV001525953.8), dbSNP rs1464991419, ClinGen allele CA412370391.